The following is an entry in ClinVar:

ClinVar aggregate classification (germline): Pathogenic (1 of 4 stars; one submission).

Conditions:
Cardiovascular phenotype. Identifiers: MedGen CN230736.
Hereditary cancer-predisposing syndrome. Also called: Hereditary neoplastic syndrome; Neoplastic Syndromes, Hereditary; Tumor predisposition; Hereditary Cancer Syndrome. Identifiers: Orphanet 140162, MedGen C0027672, MeSH D009386, MONDO:0015356.

Submission:

Ambry Genetics
Classification: Pathogenic for Cardiovascular phenotype; Hereditary cancer-predisposing syndrome. Last evaluated: 2025-08-05. Review status: criteria provided, single submitter. Criteria: Ambry Variant Classification Scheme 2023. Collection method: clinical testing. Allele origin: germline.
Comment: The c.1476delT pathogenic mutation, located in coding exon 13 of the NF1 gene, results from a deletion of one nucleotide at nucleotide position 1476, causing a translational frameshift with a predicted alternate stop codon (p.L493Sfs*5). This variant is considered to be rare based on population cohorts in the Genome Aggregation Database (gnomAD). This alteration is expected to result in loss of function by premature protein truncation or nonsense-mediated mRNA decay. As such, this alteration is interpreted as a disease-causing mutation.

NM_001042492.3(NF1):c.1476del (p.Leu493fs)

Gene: NF1 (neurofibromin 1; plus strand). Cytogenetic location: 17q11.2.
Variant type: Deletion.
Coding change: c.1476del on transcript NM_001042492.3 (MANE Select); coding-DNA position 1476, one base deleted (T; older notation c.1476delT).
Protein change: p.Leu493fs; shifts the reading frame from leucine 493.
Molecular consequence: frameshift variant.
Genome position (GRCh38, 1-based): chr17:31,214,534, T deleted; the last of 2 consecutive T bases (chr17:31,214,533-31,214,534); deleting either gives the same sequence. VCF-style (leftmost placement, unchanged base first): chr17-31214532-CT-C. GRCh37 (hg19) VCF-style: chr17-29541550-CT-C.
Other names: c.1476del, p.Leu493fs (NM_000267.4, NM_001128147.3); short protein forms L493fs.
Identifiers: ClinVar variation 4119112 (VCV004119112.1).